The following is an entry in ClinVar:

NM_000217.3(KCNA1):c.*4635G>C

Gene: KCNA1 (potassium voltage-gated channel subfamily A member 1; plus strand). Cytogenetic location: 12p13.32.
Variant type: single nucleotide variant.
Coding change: c.*4635G>C on transcript NM_000217.3 (MANE Select); 4635 bases downstream of the stop codon, G replaced by C.
Molecular consequence: 3 prime UTR variant.
Genome position (GRCh38, 1-based): chr12:4,917,501, G>C. VCF-style: chr12-4917501-G-C. GRCh37 (hg19) VCF-style: chr12-5026667-G-C.
Identifiers: ClinVar variation 309214 (VCV000309214.7), dbSNP rs1045892, ClinGen allele CA10642550.

ClinVar aggregate classification (germline): Benign/Likely benign. Review status: criteria provided, multiple submitters, no conflicts (2 of 4 stars). 2 submissions from 2 submitters: Benign (1); Likely benign (1). Last evaluated 2018-01-12.

Conditions:
Episodic ataxia type 1 (EA1). Also called: ATAXIA, EPISODIC, WITH MYOKYMIA; MYOKYMIA WITH PERIODIC ATAXIA; PAROXYSMAL ATAXIA WITH NEUROMYOTONIA, HEREDITARY; Episodic ataxia/myokymia syndrome. Identifiers: Orphanet 37612, Orphanet 972, MedGen C1719788, MONDO:0008047, OMIM 160120.

Allele frequency attached by ClinVar (database versions not stated): gnomAD exomes 0.00088; 1000 Genomes Project 0.00180; 1000 Genomes Project 30x 0.00219; gnomAD 0.00426 and 0.00438; TOPMed 0.00452.

Submissions (2):

Illumina Laboratory Services, Illumina
Classification: Benign for Episodic ataxia type 1. Last evaluated: 2018-01-12. Review status: criteria provided, single submitter. Criteria: ICSL Variant Classification Criteria 13 December 2019. Collection method: clinical testing. Allele origin: germline.
Comment: This variant was observed in the ICSL laboratory as part of a predisposition screen in an ostensibly healthy population. It had not been previously curated by ICSL or reported in the Human Gene Mutation Database (HGMD: prior to June 1st, 2018), and was therefore a candidate for classification through an automated scoring system. Utilizing variant allele frequency, disease prevalence and penetrance estimates, and inheritance mode, an automated score was calculated to assess if this variant is too frequent to cause the disease. Based on the score and internal cut-off values, a variant classified as benign is not then subjected to further curation. The score for this variant resulted in a classification of benign for this disease.

Breakthrough Genomics
Classification: Likely benign. Review status: criteria provided, single submitter. Criteria: ACMG Guidelines, 2015. Collection method: not provided. Allele origin: germline. Inheritance: Autosomal dominant inheritance. Affected: yes.